The following is an entry in ClinVar:

ClinVar aggregate classification (germline): Likely benign (1 of 4 stars; one submission).

Conditions:
EHHADH-related disorder. Also called: EHHADH-related condition.

gnomAD v4.1: 9 of 1,613,896 alleles (0.00056%); highest among the groups gnomAD compares: Admixed American, 0.0067%; no homozygotes.

Submission:

PreventionGenetics, part of Exact Sciences
Classification: Likely benign for EHHADH-related condition. Last evaluated: 2025-07-21. Review status: criteria provided, single submitter. Criteria: ACMG Guidelines, 2015. Collection method: clinical testing. Allele origin: germline.
Comment: This variant is classified as likely benign based on ACMG/AMP sequence variant interpretation guidelines (Richards et al. 2015 PMID: 25741868, with internal and published modifications).

NM_001966.4(EHHADH):c.852C>T (p.Pro284=)

Gene: EHHADH (enoyl-CoA hydratase and 3-hydroxyacyl CoA dehydrogenase; minus strand). Cytogenetic location: 3q27.2.
Variant type: single nucleotide variant.
Coding change: c.852C>T on transcript NM_001966.4 (MANE Select); coding-DNA position 852, C replaced by T.
Protein change: p.Pro284=; no amino-acid change (proline 284 retained).
Molecular consequence: synonymous variant.
Genome position (GRCh38, 1-based): chr3:185,204,474, G>A on the plus strand (C>T on the coding strand, the complement: EHHADH is on the minus strand). VCF-style: chr3-185204474-G-A. GRCh37 (hg19) VCF-style: chr3-184922262-G-A.
Other names: c.564C>T, p.Pro188= (NM_001166415.2).
Identifiers: ClinVar variation 5001700 (VCV005001700.1).